The following is an entry in ClinVar:

ClinVar aggregate classification (germline): Likely pathogenic (1 of 4 stars; one submission).

Conditions:
Dilated cardiomyopathy 1DD (CMD1DD). Identifiers: Orphanet 154, MedGen C2750995, MONDO:0013168, OMIM 613172.

Submission:

Clinical Genetics Laboratory, Region Ostergotland
Classification: Likely pathogenic for Dilated cardiomyopathy 1DD. Last evaluated: 2025-05-16. Review status: criteria provided, single submitter. Criteria: ACMG Guidelines, 2015. Collection method: clinical testing. Allele origin: germline. Affected: yes.
Comment: The NM_001134363.3:c.1912C>T missense variant is not found in population database (no frequency gnomAD v4.1.0). This variant is located in a mutational hot spot (PMID:19712804) and has been found assumed de novo in a patient with dilated cardiomyopathy (PMID: 33941202). A different missense change (p.(Pro638Leu)) determined to be pathogenic has been seen before at this position. Based on this information, the following ACMG/AMP criteria were applied in classifying this variant: PM1, PM2, PM5, PM6_supporting

Literature cited by the submitters: PubMed 19712804; PubMed 33941202.

NM_001134363.3(RBM20):c.1912C>T (p.Pro638Ser)

Gene: RBM20 (RNA binding motif protein 20; plus strand). Cytogenetic location: 10q25.2.
Variant type: single nucleotide variant.
Coding change: c.1912C>T on transcript NM_001134363.3 (MANE Select); coding-DNA position 1912, C replaced by T.
Protein change: p.Pro638Ser; replaces proline 638 with serine.
Molecular consequence: missense variant.
Genome position (GRCh38, 1-based): chr10:110,812,309, C>T. VCF-style: chr10-110812309-C-T. GRCh37 (hg19) VCF-style: chr10-112572067-C-T.
Other names: short protein forms P638S.
Identifiers: ClinVar variation 3900646 (VCV003900646.2).